The following is an entry in ClinVar:

NM_001015880.2(PAPSS2):c.440T>C (p.Phe147Ser)

Gene: PAPSS2 (3'-phosphoadenosine 5'-phosphosulfate synthase 2; plus strand). Cytogenetic location: 10q23.31.
Variant type: single nucleotide variant.
Coding change: c.440T>C on transcript NM_001015880.2 (MANE Select); coding-DNA position 440, T replaced by C.
Protein change: p.Phe147Ser; replaces phenylalanine 147 with serine.
Molecular consequence: missense variant.
Genome position (GRCh38, 1-based): chr10:87,714,102, T>C. VCF-style: chr10-87714102-T-C. GRCh37 (hg19) VCF-style: chr10-89473859-T-C.
Other names: c.440T>C, p.Phe147Ser (NM_004670.4); short protein forms F147S.
Identifiers: ClinVar variation 1348930 (VCV001348930.3), dbSNP rs368164378, ClinGen allele CA5589464.

ClinVar aggregate classification (germline): Uncertain significance (1 of 4 stars; one submission).

Conditions:
Spondyloepimetaphyseal dysplasia, PAPSS2 type. Also called: BRACHYOLMIA TYPE 4 WITH MILD EPIPHYSEAL AND METAPHYSEAL CHANGES; SPONDYLODYSPLASIA AND PREMATURE PUBARCHE; SEMD, PAKISTANI TYPE. Identifiers: Orphanet 93282, MedGen C2748516, MONDO:0019666, OMIM 612847.

gnomAD v4.1: 56 of 1,614,014 alleles (0.0035%); highest among the groups gnomAD compares: Non-Finnish European, 0.0047%; no homozygotes.

Submission:

Labcorp Genetics (formerly Invitae), Labcorp
Classification: Uncertain significance for Spondyloepimetaphyseal dysplasia, PAPSS2 type. Last evaluated: 2022-08-21. Review status: criteria provided, single submitter. Criteria: Invitae Variant Classification Sherloc (09022015). Collection method: clinical testing. Allele origin: germline.
Comment: This sequence change replaces phenylalanine, which is neutral and non-polar, with serine, which is neutral and polar, at codon 147 of the PAPSS2 protein (p.Phe147Ser). This variant is present in population databases (rs368164378, gnomAD 0.0009%). This variant has not been reported in the literature in individuals affected with PAPSS2-related conditions. ClinVar contains an entry for this variant (Variation ID: 1348930). Algorithms developed to predict the effect of missense changes on protein structure and function are either unavailable or do not agree on the potential impact of this missense change (SIFT: "Deleterious"; PolyPhen-2: "Probably Damaging"; Align-GVGD: "Class C0"). In summary, the available evidence is currently insufficient to determine the role of this variant in disease. Therefore, it has been classified as a Variant of Uncertain Significance.